The following is an entry in ClinVar:

NM_000142.5(FGFR3):c.379+18G>A

Gene: FGFR3 (fibroblast growth factor receptor 3; plus strand). Cytogenetic location: 4p16.3.
Variant type: single nucleotide variant.
Coding change: c.379+18G>A on transcript NM_000142.5 (MANE Select); 18 bases into the intron after coding-DNA position 379, G replaced by A.
Molecular consequence: intron variant.
Genome position (GRCh38, 1-based): chr4:1,799,541, G>A. VCF-style: chr4-1799541-G-A. GRCh37 (hg19) VCF-style: chr4-1801268-G-A.
Other names: c.379+18G>A (NM_001163213.2, NM_001354809.2, NM_001354810.2 and 1 more transcripts).
Identifiers: ClinVar variation 507534 (VCV000507534.5), dbSNP rs775716751, ClinGen allele CA2809779.

ClinVar aggregate classification (germline): Likely benign. Review status: criteria provided, multiple submitters, no conflicts (2 of 4 stars). 3 submissions from 3 submitters: Likely benign (3). Last evaluated 2022-11-24.

Allele frequency attached by ClinVar (database versions not stated): ExAC below 0.00001; gnomAD 0.00001; gnomAD exomes 0.00001 and 0.00002; TOPMed 0.00003.

Submissions (3):

Labcorp Genetics (formerly Invitae), Labcorp
Classification: Likely benign. Last evaluated: 2022-11-24. Review status: criteria provided, single submitter. Criteria: Invitae Variant Classification Sherloc (09022015). Collection method: clinical testing. Allele origin: germline.

GeneDx
Classification: Likely benign. Last evaluated: 2017-02-15. Review status: criteria provided, single submitter. Criteria: GeneDx Variant Classification (06012015). Collection method: clinical testing. Allele origin: germline. Affected: yes.
Comment: This variant is considered likely benign or benign based on one or more of the following criteria: it is a conservative change, it occurs at a poorly conserved position in the protein, it is predicted to be benign by multiple in silico algorithms, and/or has population frequency not consistent with disease.

Breakthrough Genomics
Classification: Likely benign. Review status: criteria provided, single submitter. Criteria: ACMG Guidelines, 2015. Collection method: not provided. Allele origin: germline. Inheritance: Autosomal dominant inheritance. Affected: yes.